The following is an entry in ClinVar:

NM_001429.4(EP300):c.6446A>G (p.Gln2149Arg)

Gene: EP300 (EP300 lysine acetyltransferase; plus strand). Cytogenetic location: 22q13.2.
Variant type: single nucleotide variant.
Coding change: c.6446A>G on transcript NM_001429.4 (MANE Select); coding-DNA position 6446, A replaced by G.
Protein change: p.Gln2149Arg; replaces glutamine 2149 with arginine.
Molecular consequence: missense variant.
Genome position (GRCh38, 1-based): chr22:41,178,157, A>G. VCF-style: chr22-41178157-A-G. GRCh37 (hg19) VCF-style: chr22-41574161-A-G.
Other names: c.6368A>G, p.Gln2123Arg (NM_001362843.2); c.6446A>G (NM_001429.3); short protein forms Q2123R, Q2149R.
Identifiers: ClinVar variation 3674163 (VCV003674163.3).

ClinVar aggregate classification (germline): Uncertain significance. Review status: criteria provided, multiple submitters, no conflicts (2 of 4 stars). 2 submissions from 2 submitters: Uncertain significance (2). Last evaluated 2026-07-20.

Conditions:
EP300-related disorder. Also called: EP300-related disorders; EP300-related condition.
Rubinstein-Taybi syndrome due to EP300 haploinsufficiency. Also called: EP300-Related Rubinstein-Taybi Syndrome; RUBINSTEIN-TAYBI SYNDROME 2. Identifiers: Orphanet 353284, Orphanet 783, MedGen C3150941, MONDO:0013364, OMIM 613684.

gnomAD v4.1: 21 of 1,613,900 alleles (0.0013%); highest among the groups gnomAD compares: Non-Finnish European, 0.0016%; no homozygotes.

Submissions (2):

PreventionGenetics, part of Exact Sciences
Classification: Uncertain significance for EP300-related condition. Last evaluated: 2026-07-20. Review status: criteria provided, single submitter. Criteria: ACMG Guidelines, 2015. Collection method: clinical testing. Allele origin: germline.
Comment: The EP300 c.6446A>G variant is predicted to result in the amino acid substitution p.Gln2149Arg. To our knowledge, this variant has not been reported in the literature or in a large population database (gnomAD), indicating this variant is rare. At this time, the clinical significance of this variant is uncertain due to the absence of conclusive functional and genetic evidence.

Labcorp Genetics (formerly Invitae), Labcorp
Classification: Uncertain significance for Rubinstein-Taybi syndrome due to EP300 haploinsufficiency. Last evaluated: 2025-04-22. Review status: criteria provided, single submitter. Criteria: Invitae Variant Classification Sherloc (09022015). Collection method: clinical testing. Allele origin: germline.
Comment: This sequence change replaces glutamine, which is neutral and polar, with arginine, which is basic and polar, at codon 2149 of the EP300 protein (p.Gln2149Arg). This variant is not present in population databases (gnomAD no frequency). This variant has not been reported in the literature in individuals affected with EP300-related conditions. ClinVar contains an entry for this variant (Variation ID: 3674163). Invitae Evidence Modeling of protein sequence and biophysical properties (such as structural, functional, and spatial information, amino acid conservation, physicochemical variation, residue mobility, and thermodynamic stability) indicates that this missense variant is not expected to disrupt EP300 protein function with a negative predictive value of 95%. In summary, the available evidence is currently insufficient to determine the role of this variant in disease. Therefore, it has been classified as a Variant of Uncertain Significance.